The following is an entry in ClinVar:

ClinVar aggregate classification (germline): Uncertain significance (1 of 4 stars; one submission).

Conditions:
Rhabdoid tumor predisposition syndrome 2 (RTPS2). Identifiers: Orphanet 231108, Orphanet 69077, MedGen C2750074, MONDO:0013224, OMIM 613325.

Submission:

Labcorp Genetics (formerly Invitae), Labcorp
Classification: Uncertain significance for Rhabdoid tumor predisposition syndrome 2. Last evaluated: 2024-01-09. Review status: criteria provided, single submitter. Criteria: Invitae Variant Classification Sherloc (09022015). Collection method: clinical testing. Allele origin: germline.
Comment: This sequence change replaces proline, which is neutral and non-polar, with glutamine, which is neutral and polar, at codon 1648 of the SMARCA4 protein (p.Pro1648Gln). This variant is not present in population databases (gnomAD no frequency). This variant has not been reported in the literature in individuals affected with SMARCA4-related conditions. ClinVar contains an entry for this variant (Variation ID: 665850). Advanced modeling of protein sequence and biophysical properties (such as structural, functional, and spatial information, amino acid conservation, physicochemical variation, residue mobility, and thermodynamic stability) performed at Invitae indicates that this missense variant is not expected to disrupt SMARCA4 protein function with a negative predictive value of 95%. In summary, the available evidence is currently insufficient to determine the role of this variant in disease. Therefore, it has been classified as a Variant of Uncertain Significance.

NM_003072.5(SMARCA4):c.4847C>A (p.Pro1616Gln)

Gene: SMARCA4 (SWI/SNF related BAF chromatin remodeling complex subunit ATPase 4; plus strand). Cytogenetic location: 19p13.2.
Variant type: single nucleotide variant.
Coding change: c.4847C>A on transcript NM_003072.5 (MANE Select); coding-DNA position 4847, C replaced by A.
Protein change: p.Pro1616Gln; replaces proline 1616 with glutamine.
Molecular consequence: missense variant. On other transcripts: non-coding transcript variant (1).
Genome position (GRCh38, 1-based): chr19:11,060,123, C>A. VCF-style: chr19-11060123-C-A. GRCh37 (hg19) VCF-style: chr19-11170799-C-A.
Other names: c.4847C>A, p.Pro1616Gln (NM_001128844.3); c.4757C>A, p.Pro1586Gln (NM_001128845.2); c.4754C>A, p.Pro1585Gln (NM_001128846.2); c.4748C>A, p.Pro1583Gln (NM_001128847.4, NM_001374457.1); c.4745C>A, p.Pro1582Gln (NM_001128848.2); c.4943C>A, p.Pro1648Gln (NM_001128849.3, NM_001387283.1); short protein forms P1582Q, P1585Q, P1586Q, P1616Q, P1583Q, P1648Q.
Identifiers: ClinVar variation 665850 (VCV000665850.8), dbSNP rs878854234, ClinGen allele CA404080705.
Genomic context (GRCh38, chr19:11,060,123, plus strand): 5'-AGATCAAGCTTGGCCGGAAGGAGAAGGCACAGGACCGGCTGAAGGGCGGCCGGCGGCGGC[C>A]GAGCCGAGGGTCCCGAGCCAAGCCGGTCGTGAGTGACGATGACAGTGAGGAGGAACAAGA-3'
Protein context (NP_003063.2, residues 1606-1626): QDRLKGGRRR[Pro1616Gln]SRGSRAKPVV